The following is an entry in ClinVar:

ClinVar aggregate classification (germline): Uncertain significance (0 of 4 stars; one submission).

Conditions:
TRIO-related disorder. Also called: TRIO-related condition; TRIO-related disorders.

gnomAD v4.1: 13 of 1,614,162 alleles (0.00081%); highest among the groups gnomAD compares: Admixed American, 0.0033%; no homozygotes.

Submission:

PreventionGenetics, part of Exact Sciences
Classification: Uncertain significance for TRIO-related condition. Last evaluated: 2024-06-01. Review status: no assertion criteria provided. Collection method: clinical testing. Allele origin: germline.
Comment: The TRIO c.1154A>G variant is predicted to result in the amino acid substitution p.Asn385Ser. To our knowledge, this variant has not been reported in the literature. This variant is reported in 0.0058% of alleles in individuals of Latino descent in gnomAD. At this time, the clinical significance of this variant is uncertain due to the absence of conclusive functional and genetic evidence.

NM_007118.4(TRIO):c.1154A>G (p.Asn385Ser)

Gene: TRIO (trio Rho guanine nucleotide exchange factor; plus strand). Cytogenetic location: 5p15.2.
Variant type: single nucleotide variant.
Coding change: c.1154A>G on transcript NM_007118.4 (MANE Select); coding-DNA position 1154, A replaced by G.
Protein change: p.Asn385Ser; replaces asparagine 385 with serine.
Molecular consequence: missense variant. On other transcripts: non-coding transcript variant (1).
Genome position (GRCh38, 1-based): chr5:14,293,112, A>G. VCF-style: chr5-14293112-A-G. GRCh37 (hg19) VCF-style: chr5-14293221-A-G.
Other names: short protein forms N385S.
Identifiers: ClinVar variation 3356754 (VCV003356754.1).